The following is an entry in ClinVar:

ClinVar aggregate classification (germline): Conflicting classifications of pathogenicity. Review status: criteria provided, conflicting classifications (1 of 4 stars). 7 submissions from 6 submitters: Uncertain significance (3); Likely benign (4). Last evaluated 2026-01-26.

Conditions:
Usher syndrome type 2D. Also called: USHER SYNDROME, TYPE IID. Identifiers: Orphanet 231178, Orphanet 886, MedGen C1568249, MONDO:0012662, OMIM 611383.
Autosomal recessive nonsyndromic hearing loss 31. Also called: WHIRLER, MOUSE, HOMOLOG OF. Identifiers: Orphanet 90636, MedGen C1846839, MONDO:0011767, OMIM 607084.

Allele frequency attached by ClinVar (database versions not stated): 1000 Genomes Project 30x 0.00016; 1000 Genomes Project 0.00020; TOPMed 0.00086; ExAC 0.00088; gnomAD exomes 0.00089 and 0.00137; gnomAD 0.00093 and 0.00098; ESP Exome Variant Server 0.00108.
gnomAD v4.1: 2,140 of 1,612,412 alleles (0.13%); highest among the groups gnomAD compares: Non-Finnish European, 0.17%; 1 homozygote.

Submissions (7):

Labcorp Genetics (formerly Invitae), Labcorp
Classification: Likely benign. Last evaluated: 2026-01-26. Review status: criteria provided, single submitter. Criteria: Invitae Variant Classification Sherloc (09022015). Collection method: clinical testing. Allele origin: germline.

Laboratory of Genetics, Children's Clinical University Hospital Latvia
Classification: Likely benign. Last evaluated: 2025-02-16. Review status: criteria provided, single submitter. Criteria: ACMG Guidelines, 2015. Collection method: clinical testing. Allele origin: germline. Affected: yes.

Blueprint Genetics
Classification: Likely benign. Last evaluated: 2024-11-21. Review status: criteria provided, single submitter. Criteria: ACMG Guidelines, 2015. Collection method: clinical testing. Allele origin: germline.

GeneDx
Classification: Uncertain significance. Last evaluated: 2021-09-21. Review status: criteria provided, single submitter. Criteria: GeneDx Variant Classification Process June 2021. Collection method: clinical testing. Allele origin: germline. Affected: yes.
Comment: Has not been previously published as pathogenic or benign to our knowledge; In-silico analysis, which includes splice predictors and evolutionary conservation, is inconclusive as to whether the variant alters gene splicing. In the absence of RNA/functional studies, the actual effect of this sequence change is unknown.

Laboratory for Molecular Medicine, Mass General Brigham Personalized Medicine
Classification: Likely benign. Last evaluated: 2017-10-24. Review status: criteria provided, single submitter. Criteria: LMM Criteria. Collection method: clinical testing. Allele origin: germline. Observed: 10 variant alleles.
Comment: p.Thr383Thr in Exon 4 of DFNB31: This variant is not expected to have clinical s ignificance because it does not alter an amino acid residue, is not located with in the splice consensus sequence, and has been identified in 0.16% (205/126514) of European chromosomes by the Genome Aggregation Database (gnomAD; dbSNP rs149558159).

Illumina Laboratory Services, Illumina
Classification: Uncertain significance for Usher syndrome type 2D. Last evaluated: 2017-04-27. Review status: criteria provided, single submitter. Criteria: ICSL Variant Classification Criteria 13 December 2019. Collection method: clinical testing. Allele origin: germline.

Illumina Laboratory Services, Illumina
Classification: Uncertain significance for Autosomal recessive nonsyndromic hearing loss 31. Last evaluated: 2017-04-27. Review status: criteria provided, single submitter. Criteria: ICSL Variant Classification Criteria 13 December 2019. Collection method: clinical testing. Allele origin: germline.

NM_015404.4(WHRN):c.1149C>T (p.Thr383=)

Gene: WHRN (whirlin; minus strand). Cytogenetic location: 9q32.
Variant type: single nucleotide variant.
Coding change: c.1149C>T on transcript NM_015404.4 (MANE Select); coding-DNA position 1149, C replaced by T.
Protein change: p.Thr383=; no amino-acid change (threonine 383 retained).
Molecular consequence: synonymous variant. On other transcripts: 5 prime UTR variant (1).
Genome position (GRCh38, 1-based): chr9:114,426,228, G>A on the plus strand (C>T on the coding strand, the complement: WHRN is on the minus strand). VCF-style: chr9-114426228-G-A. GRCh37 (hg19) VCF-style: chr9-117188508-G-A.
Other names: c.-1C>T (NM_001083885.3); c.1149C>T, p.Thr383= (NM_001173425.2).
Identifiers: ClinVar variation 45642 (VCV000045642.23), dbSNP rs149558159, ClinGen allele CA136860.